The following is an entry in ClinVar:

ClinVar aggregate classification (germline): Benign. Review status: criteria provided, multiple submitters, no conflicts (2 of 4 stars). 4 submissions from 4 submitters: Benign (4). Last evaluated 2024-07-15.

Allele frequency attached by ClinVar (database versions not stated): gnomAD exomes 0.34454 and 0.36316; ExAC 0.35679; TOPMed 0.40553; 1000 Genomes Project 0.40994; 1000 Genomes Project 30x 0.41443; ESP Exome Variant Server 0.42344; gnomAD 0.47763.
gnomAD v4.1: 586,037 of 1,580,160 alleles (37%); highest among the groups gnomAD compares: African/African-American, 58%; 108,473 homozygotes.

Submissions (4):

Unidad de Genómica Garrahan, Hospital de Pediatría Garrahan
Classification: Benign. Last evaluated: 2024-07-15. Review status: criteria provided, single submitter. Criteria: ACMG Guidelines, 2015. Collection method: clinical testing. Allele origin: germline. Affected: no. Observed: 35 variant alleles.
Comment: This variant is classified as Benign based on local population frequency. This variant was detected in 38% of patients studied in a panel designed for Epileptic and Developmental Encephalopathy and Progressive Myoclonus Epilepsy. Number of patients: 35. Only high quality variants are reported.

GeneDx
Classification: Benign. Last evaluated: 2018-07-15. Review status: criteria provided, single submitter. Criteria: GeneDx Variant Classification Process June 2021. Collection method: clinical testing. Allele origin: germline. Affected: yes.

Athena Diagnostics
Classification: Benign. Last evaluated: 2017-04-20. Review status: criteria provided, single submitter. Criteria: Athena Diagnostics Criteria. Collection method: clinical testing. Allele origin: germline.

Breakthrough Genomics
Classification: Benign. Review status: criteria provided, single submitter. Criteria: ACMG Guidelines, 2015. Collection method: not provided. Allele origin: germline. Inheritance: Autosomal dominant inheritance. Affected: yes.

NM_020988.3(GNAO1):c.723+6976A>G

Gene: GNAO1 (G protein subunit alpha o1; plus strand). Cytogenetic location: 16q13.
Variant type: single nucleotide variant.
Coding change: c.723+6976A>G on transcript NM_020988.3 (MANE Select); 6976 bases into the intron after coding-DNA position 723, A replaced by G.
Molecular consequence: intron variant. On other transcripts: synonymous variant (1).
Genome position (GRCh38, 1-based): chr16:56,343,836, A>G. VCF-style: chr16-56343836-A-G. GRCh37 (hg19) VCF-style: chr16-56377748-A-G.
Other names: c.951A>G, p.Lys317= (NM_138736.3).
Identifiers: ClinVar variation 585945 (VCV000585945.7), dbSNP rs1799917, ClinGen allele CA8063932.